The following is an entry in ClinVar:

ClinVar aggregate classification (germline): Uncertain significance (1 of 4 stars; one submission).

Conditions:
Gastrointestinal stromal tumor. Also called: Gastrointestinal stromal tumor, somatic; Gastrointestinal stroma tumor. Identifiers: Orphanet 44890, MedGen C0238198, MeSH D046152, MONDO:0011719, OMIM 606764, HP:0100723.

Submission:

Labcorp Genetics (formerly Invitae), Labcorp
Classification: Uncertain significance for Gastrointestinal stromal tumor. Last evaluated: 2023-07-28. Review status: criteria provided, single submitter. Criteria: Invitae Variant Classification Sherloc (09022015). Collection method: clinical testing. Allele origin: germline.
Comment: In summary, the available evidence is currently insufficient to determine the role of this variant in disease. Therefore, it has been classified as a Variant of Uncertain Significance. An algorithm developed to predict the effect of missense changes on protein structure and function (PolyPhen-2) suggests that this variant is likely to be disruptive. This variant has not been reported in the literature in individuals affected with KIT-related conditions. This variant is not present in population databases (gnomAD no frequency). This sequence change replaces serine, which is neutral and polar, with tyrosine, which is neutral and polar, at codon 465 of the KIT protein (p.Ser465Tyr).

NM_000222.3(KIT):c.1394C>A (p.Ser465Tyr)

Gene: KIT (KIT proto-oncogene, receptor tyrosine kinase; plus strand). Cytogenetic location: 4q12.
Variant type: single nucleotide variant.
Coding change: c.1394C>A on transcript NM_000222.3 (MANE Select); coding-DNA position 1394, C replaced by A.
Protein change: p.Ser465Tyr; replaces serine 465 with tyrosine.
Molecular consequence: missense variant.
Genome position (GRCh38, 1-based): chr4:54,725,904, C>A. VCF-style: chr4-54725904-C-A. GRCh37 (hg19) VCF-style: chr4-55592070-C-A.
Other names: c.1394C>A, p.Ser465Tyr (NM_001093772.2, NM_001385285.1, NM_001385286.1); c.1397C>A, p.Ser466Tyr (NM_001385284.1, NM_001385288.1, NM_001385290.1 and 1 more transcripts); short protein forms S465Y, S466Y.
Identifiers: ClinVar variation 2807206 (VCV002807206.3), dbSNP rs763728676, ClinGen allele CA356906305.